The following is an entry in ClinVar:

ClinVar aggregate classification (germline): Likely pathogenic (1 of 4 stars; one submission).

Allele frequency attached by ClinVar (database versions not stated): gnomAD exomes below 0.00001.
gnomAD v4.1: 3 of 1,614,136 alleles (0.00019%); highest among the groups gnomAD compares: Non-Finnish European, 0.00025%; no homozygotes.

Submission:

GeneDx
Classification: Likely pathogenic. Last evaluated: 2018-11-27. Review status: criteria provided, single submitter. Criteria: GeneDx Variant Classification (06012015). Collection method: clinical testing. Allele origin: germline. Affected: yes.
Comment: The E582K variant has not been published as a pathogenic variant, nor has it been reported as a benign variant to our knowledge. The variant is not observed in large population cohorts (Lek et al., 2016; 1000 Genomes Consortium et al., 2015; Exome Variant Server). E582K is a non-conservative amino acid substitution, which is likely to impact secondary protein structure as these residues differ in polarity, charge, size and/or other properties. This substitution occurs at a position within the SH2 domain that is conserved in mammals; the SH2 domain is critical for the dimerization and activation of the STAT3 protein (Koskela et al., 2012; Chandesris et al., 2012). In silico analysis predicts this variant is probably damaging to the protein structure/function. In summary, this variant is likely pathogenic; however, the possibility that it is benign cannot be excluded.

NM_139276.3(STAT3):c.1744G>A (p.Glu582Lys)

Gene: STAT3 (signal transducer and activator of transcription 3; minus strand). Cytogenetic location: 17q21.2.
Variant type: single nucleotide variant.
Coding change: c.1744G>A on transcript NM_139276.3 (MANE Select); coding-DNA position 1744, G replaced by A.
Protein change: p.Glu582Lys; replaces glutamic acid 582 with lysine.
Molecular consequence: missense variant. On other transcripts: intron variant (1).
Genome position (GRCh38, 1-based): chr17:42,323,264, C>T on the plus strand (G>A on the coding strand, the complement: STAT3 is on the minus strand). VCF-style: chr17-42323264-C-T. GRCh37 (hg19) VCF-style: chr17-40475282-C-T.
Other names: c.1744G>A, p.Glu582Lys (NM_001369512.1, NM_001369513.1, NM_001369514.1 and 9 more transcripts); c.1660G>A, p.Glu554Lys (NM_001384984.1); c.1666G>A, p.Glu556Lys (NM_001384985.1); c.1759G>A, p.Glu587Lys (NM_001384986.1, NM_001384990.1); c.1723G>A, p.Glu575Lys (NM_001384987.1); c.1648G>A, p.Glu550Lys (NM_001384989.1); c.1684G>A, p.Glu562Lys (NM_001384992.1); c.1721+23G>A (NM_001384991.1); short protein forms E582K, E550K, E554K, E556K, E562K, E575K, E587K.
Identifiers: ClinVar variation 424041 (VCV000424041.2), dbSNP rs1064796762, ClinGen allele CA16620412.